The following is an entry in ClinVar:

NM_015681.6(B9D1):c.427G>A (p.Glu143Lys)

Gene: B9D1 (B9 domain containing 1; minus strand). Cytogenetic location: 17p11.2.
Variant type: single nucleotide variant.
Coding change: c.427G>A on transcript NM_015681.6 (MANE Select); coding-DNA position 427, G replaced by A.
Protein change: p.Glu143Lys; replaces glutamic acid 143 with lysine.
Molecular consequence: missense variant. On other transcripts: intron variant (1).
Genome position (GRCh38, 1-based): chr17:19,343,835, C>T on the plus strand (G>A on the coding strand, the complement: B9D1 is on the minus strand). VCF-style: chr17-19343835-C-T. GRCh37 (hg19) VCF-style: chr17-19247148-C-T.
Other names: c.427G>A, p.Glu143Lys (NM_001321214.2, NM_001321215.3, NM_001321217.2 and 2 more transcripts); c.67G>A, p.Glu23Lys (NM_001368769.2); c.404+3434G>A (NM_001321219.2); short protein forms E143K, E23K.
Identifiers: ClinVar variation 1518341 (VCV001518341.10), dbSNP rs1490515097, ClinGen allele CA398694934.

ClinVar aggregate classification (germline): Uncertain significance. Review status: criteria provided, multiple submitters, no conflicts (2 of 4 stars). 2 submissions from 2 submitters: Uncertain significance (2). Last evaluated 2025-12-01.

Conditions:
Meckel-Gruber syndrome. Also called: DYSENCEPHALIA SPLANCHNOCYSTICA; GRUBER SYNDROME; Dysencephalia splachnocystica. Identifiers: Orphanet 564, MedGen C0265215, MONDO:0018921.
Joubert syndrome. Also called: Familial aplasia of the vermis; JOUBERT-BOLTSHAUSER SYNDROME. Identifiers: Orphanet 475, MedGen C5979921, MONDO:0018772.

Allele frequency attached by ClinVar (database versions not stated): gnomAD exomes below 0.00001; TOPMed 0.00001; gnomAD 0.00002.
gnomAD v4.1: 13 of 1,613,904 alleles (0.00081%); highest among the groups gnomAD compares: East Asian, 0.0067%; no homozygotes.

Submissions (2):

CeGaT Center for Human Genetics Tuebingen
Classification: Uncertain significance. Last evaluated: 2025-12-01. Review status: criteria provided, single submitter. Criteria: CeGaT Center For Human Genetics Tuebingen Variant Classification Criteria Version 2. Collection method: clinical testing. Allele origin: germline. Affected: yes. Observed: 2 variant alleles.
Comment: B9D1: PM2, PM3:Supporting, PM5:Supporting, PP3

Labcorp Genetics (formerly Invitae), Labcorp
Classification: Uncertain significance for Joubert syndrome; Meckel-Gruber syndrome. Last evaluated: 2022-10-24. Review status: criteria provided, single submitter. Criteria: Invitae Variant Classification Sherloc (09022015). Collection method: clinical testing. Allele origin: germline.
Comment: In summary, the available evidence is currently insufficient to determine the role of this variant in disease. Therefore, it has been classified as a Variant of Uncertain Significance. Algorithms developed to predict the effect of missense changes on protein structure and function are either unavailable or do not agree on the potential impact of this missense change (SIFT: "Deleterious"; PolyPhen-2: "Possibly Damaging"; Align-GVGD: "Class C0"). This variant has not been reported in the literature in individuals affected with B9D1-related conditions. This variant is present in population databases (no rsID available, gnomAD 0.02%). This sequence change replaces glutamic acid, which is acidic and polar, with lysine, which is basic and polar, at codon 143 of the B9D1 protein (p.Glu143Lys).